The following is an entry in ClinVar:

NM_002693.3(POLG):c.1905G>T (p.Pro635=)

Gene: POLG (DNA polymerase gamma, catalytic subunit; minus strand). Cytogenetic location: 15q26.1.
Variant type: single nucleotide variant.
Coding change: c.1905G>T on transcript NM_002693.3 (MANE Select); coding-DNA position 1905, G replaced by T.
Protein change: p.Pro635=; no amino-acid change (proline 635 retained).
Molecular consequence: synonymous variant.
Genome position (GRCh38, 1-based): chr15:89,325,494, C>A on the plus strand (G>T on the coding strand, the complement: POLG is on the minus strand). VCF-style: chr15-89325494-C-A. GRCh37 (hg19) VCF-style: chr15-89868725-C-A.
Other names: c.1905G>T, p.Pro635= (NM_001126131.2).
Identifiers: ClinVar variation 378411 (VCV000378411.17), dbSNP rs550592814, ClinGen allele CA10602209.

ClinVar aggregate classification (germline): Conflicting classifications of pathogenicity. Review status: criteria provided, conflicting classifications (1 of 4 stars). 6 submissions from 6 submitters: Uncertain significance (1); Likely benign (4). 1 of the submissions does not count toward it. Last evaluated 2026-01-26.

Conditions:
POLG-related disorder. Also called: POLG-related condition; POLG-Related Disorders; POLG-Related Spectrum Disorders. Identifiers: MedGen C4763519.
Progressive sclerosing poliodystrophy (MTDPS4A). Also called: ALPERS PROGRESSIVE INFANTILE POLIODYSTROPHY; NEURONAL DEGENERATION OF CHILDHOOD WITH LIVER DISEASE, PROGRESSIVE; Alpers-Huttenlocher Syndrome (AHS); Alpers Syndrome; Mitochondrial DNA Depletion Syndrome 4A; ALPERS DIFFUSE DEGENERATION OF CEREBRAL GRAY MATTER WITH HEPATIC CIRRHOSIS. Identifiers: Orphanet 726, MedGen C0205710, MONDO:0008758, OMIM 203700.

gnomAD v4.1: 2 of 1,608,622 alleles (0.00012%); highest among the groups gnomAD compares: Admixed American, 0.0033%; no homozygotes.

Submissions (6):

Labcorp Genetics (formerly Invitae), Labcorp
Classification: Likely benign for Progressive sclerosing poliodystrophy. Last evaluated: 2026-01-26. Review status: criteria provided, single submitter. Criteria: Invitae Variant Classification Sherloc (09022015). Collection method: clinical testing. Allele origin: germline.

Wong Mito Lab, Molecular and Human Genetics, Baylor College of Medicine
Classification: Likely benign for Progressive sclerosing poliodystrophy. Last evaluated: 2018-10-01. Review status: criteria provided, single submitter. Criteria: ACMG Guidelines, 2015. Collection method: clinical testing. Allele origin: germline.
Comment: The NM_002693.2:c.1905G>T (NP_002684.1:p.Pro635=) [GRCH38: NC_000015.10:g.89325494C>A] variant in POLG gene is interpretated to be a Likely Benign based on ACMG guidelines (PMID: 25741868). This variant meets the following evidence codes reported in the ACMG-guideline. BP4:Computational evidence/predictors indicate no impact on the POLG structure, function, or protein-protein interaction. BP7:The variant is silent with non predicted splice impact. Based on the evidence criteria codes applied, the variant is suggested to be Likely Benign.

Athena Diagnostics
Classification: Likely benign. Last evaluated: 2018-01-11. Review status: criteria provided, single submitter. Criteria: Athena Diagnostics Criteria. Collection method: clinical testing. Allele origin: germline.

Eurofins Ntd Llc (ga)
Classification: Uncertain significance. Last evaluated: 2017-07-20. Review status: criteria provided, single submitter. Criteria: EGL Classification Definitions 2015. Collection method: clinical testing. Allele origin: germline. Observed: 1 variant allele, 1 heterozygote.

GeneDx
Classification: Likely benign. Last evaluated: 2016-07-22. Review status: criteria provided, single submitter. Criteria: GeneDx Variant Classification (06012015). Collection method: clinical testing. Allele origin: germline. Affected: yes.
Comment: This variant is considered likely benign or benign based on one or more of the following criteria: it is a conservative change, it occurs at a poorly conserved position in the protein, it is predicted to be benign by multiple in silico algorithms, and/or has population frequency not consistent with disease.

PreventionGenetics, part of Exact Sciences
Classification: Likely benign for POLG-related condition. Last evaluated: 2021-03-19. Review status: no assertion criteria provided. Collection method: clinical testing. Allele origin: germline. Not counted in ClinVar's aggregate classification.
Comment: This variant is classified as likely benign based on ACMG/AMP sequence variant interpretation guidelines (Richards et al. 2015 PMID: 25741868, with internal and published modifications).